The following is an entry in ClinVar:

ClinVar aggregate classification (germline): Pathogenic. Review status: criteria provided, multiple submitters, no conflicts (2 of 4 stars). 3 submissions from 3 submitters: Pathogenic (3). Last evaluated 2025-12-23.

Conditions:
Hereditary breast ovarian cancer syndrome. Also called: Hereditary breast and/or ovarian cancer syndrome; Hereditary breast and ovarian cancer syndrome; Hereditary breast and ovarian cancer syndrome (HBOC); BRCA1- and BRCA2-Associated Hereditary Breast and Ovarian Cancer; Hereditary breast and ovarian cancer; Breast and ovarian cancer. Identifiers: Orphanet 145, MedGen C0677776, MeSH D061325, MONDO:0003582. Disease mechanism: loss of function.
Breast-ovarian cancer, familial, susceptibility to, 2 (BROVCA2). Also called: BRCA2 Hereditary Breast and Ovarian Cancer. Identifiers: Orphanet 145, MedGen C2675520, MONDO:0012933, OMIM 612555. Disease mechanism: loss of function.
Hereditary cancer-predisposing syndrome. Also called: Hereditary neoplastic syndrome; Neoplastic Syndromes, Hereditary; Hereditary Cancer Syndrome; Tumor predisposition. Identifiers: Orphanet 140162, MedGen C0027672, MeSH D009386, MONDO:0015356.

Submissions (3):

Labcorp Genetics (formerly Invitae), Labcorp
Classification: Pathogenic for Hereditary breast ovarian cancer syndrome. Last evaluated: 2025-12-23. Review status: criteria provided, single submitter. Criteria: Invitae Variant Classification Sherloc (09022015). Collection method: clinical testing. Allele origin: germline.
Comment: This sequence change creates a premature translational stop signal (p.Asn588*) in the BRCA2 gene. It is expected to result in an absent or disrupted protein product. Loss-of-function variants in BRCA2 are known to be pathogenic (PMID: 20104584). This variant is not present in population databases (gnomAD no frequency). This variant has not been reported in the literature in individuals affected with BRCA2-related conditions. ClinVar contains an entry for this variant (Variation ID: 2718745). For these reasons, this variant has been classified as Pathogenic.

Myriad Genetics, Inc.
Classification: Pathogenic for Breast-ovarian cancer, familial, susceptibility to, 2. Last evaluated: 2025-08-28. Review status: criteria provided, single submitter. Criteria: Myriad Autosomal Dominant, Autosomal Recessive and X-Linked Classification Criteria (2023). Collection method: clinical testing. Allele origin: unknown.
Comment: This variant is considered pathogenic. This variant creates a termination codon and is predicted to result in premature protein truncation.

Ambry Genetics
Classification: Pathogenic for Hereditary cancer-predisposing syndrome. Last evaluated: 2024-06-14. Review status: criteria provided, single submitter. Criteria: Ambry Variant Classification Scheme 2023. Collection method: clinical testing. Allele origin: germline.
Comment: The c.1762_1763delAA pathogenic mutation, located in coding exon 9 of the BRCA2 gene, results from a deletion of two nucleotides at nucleotide positions 1762 to 1763, causing a translational frameshift with a predicted alternate stop codon (p.N588*). This variant is considered to be rare based on population cohorts in the Genome Aggregation Database (gnomAD). This alteration is expected to result in loss of function by premature protein truncation or nonsense-mediated mRNA decay. As such, this alteration is interpreted as a disease-causing mutation.

Literature cited by the submitters: PubMed 20104584 (cited by Labcorp Genetics (formerly Invitae), Labcorp).

NM_000059.4(BRCA2):c.1762_1763del (p.Thr587_Asn588insTer)

Gene: BRCA2 (BRCA2 DNA repair associated; plus strand). Cytogenetic location: 13q13.1.
Variant type: Deletion.
Coding change: c.1762_1763del on transcript NM_000059.4 (MANE Select); coding-DNA positions 1762 to 1763, 2 bases deleted (AA; older notation c.1762_1763delAA).
Protein change: p.Thr587_Asn588insTer.
Molecular consequence: nonsense. On other transcripts: non-coding transcript variant (1), intron variant (1).
Genome position (GRCh38, 1-based): chr13:32,333,240-32,333,241, AA deleted; deleting any 2 consecutive bases within chr13:32,333,239-32,333,241 gives the same sequence; the c. name uses the placement nearest the transcript's 3' end. VCF-style (leftmost placement, unchanged base first): chr13-32333238-CAA-C. GRCh37 (hg19) VCF-style: chr13-32907375-CAA-C.
Other names: c.1762_1763del, p.Thr587_Asn588insTer (NM_001406719.1, NM_001406720.1, NM_001406721.1); c.424+2210_424+2211del (NM_001406722.1).
Identifiers: ClinVar variation 2718745 (VCV002718745.5), dbSNP rs1566224252, ClinGen allele CA2697551737.
Genomic context (GRCh38, chr13:32,333,238, plus strand): 5'-CCACACAGAATTCTGTAGCTTTGAAGAATGCAGGTTTAATATCCACTTTGAAAAAGAAAA[CAA>C]ATAAGTTTATTTATGCTATACATGATGAAACATCTTATAAAGGAAAAAAAATACCGAAAG-3'